The following is an entry in ClinVar:

ClinVar aggregate classification (germline): Uncertain significance (1 of 4 stars; one submission).

Allele frequency attached by ClinVar (database versions not stated): ExAC 0.00001.
gnomAD v4.1: 14 of 1,613,870 alleles (0.00087%); highest among the groups gnomAD compares: Admixed American, 0.0033%; no homozygotes.

Submission:

Labcorp Genetics (formerly Invitae), Labcorp
Classification: Uncertain significance. Last evaluated: 2024-02-24. Review status: criteria provided, single submitter. Criteria: Invitae Variant Classification Sherloc (09022015). Collection method: clinical testing. Allele origin: germline.
Comment: This sequence change replaces arginine, which is basic and polar, with glycine, which is neutral and non-polar, at codon 651 of the CNNM4 protein (p.Arg651Gly). This variant is present in population databases (rs756301978, gnomAD 0.003%). This variant has not been reported in the literature in individuals affected with CNNM4-related conditions. ClinVar contains an entry for this variant (Variation ID: 1431180). An algorithm developed to predict the effect of missense changes on protein structure and function (PolyPhen-2) suggests that this variant is likely to be tolerated. In summary, the available evidence is currently insufficient to determine the role of this variant in disease. Therefore, it has been classified as a Variant of Uncertain Significance.

NM_020184.4(CNNM4):c.1951C>G (p.Arg651Gly)

Gene: CNNM4 (cyclin and CBS domain divalent metal cation transport mediator 4; plus strand). Cytogenetic location: 2q11.2.
Variant type: single nucleotide variant.
Coding change: c.1951C>G on transcript NM_020184.4 (MANE Select); coding-DNA position 1951, C replaced by G.
Protein change: p.Arg651Gly; replaces arginine 651 with glycine.
Molecular consequence: missense variant.
Genome position (GRCh38, 1-based): chr2:96,808,563, C>G. VCF-style: chr2-96808563-C-G. GRCh37 (hg19) VCF-style: chr2-97474300-C-G.
Other names: short protein forms R651G.
Identifiers: ClinVar variation 1431180 (VCV001431180.6), dbSNP rs756301978, ClinGen allele CA1783531.